The following is an entry in ClinVar:

NM_017433.5(MYO3A):c.303+3_303+6del

Gene: MYO3A (myosin IIIA; plus strand). Cytogenetic location: 10p12.1.
Variant type: Deletion.
Coding change: c.303+3_303+6del on transcript NM_017433.5 (MANE Select); bases 3 to 6 of the intron after coding-DNA position 303, 4 bases deleted (AAGT; older notation c.303+3_303+6delAAGT).
Molecular consequence: splice donor variant.
Genome position (GRCh38, 1-based): chr10:25,955,011-25,955,014, AAGT deleted; deleting any 4 consecutive bases within chr10:25,955,009-25,955,014 gives the same sequence; the c. name uses the placement nearest the transcript's 3' end. VCF-style (leftmost placement, unchanged base first): chr10-25955008-GGTAA-G. GRCh37 (hg19) VCF-style: chr10-26243937-GGTAA-G.
Other names: c.303+3_303+6del (NM_001368265.1).
Identifiers: ClinVar variation 2574770 (VCV002574770.1), dbSNP rs2491730394, ClinGen allele CA2580615440.

ClinVar aggregate classification (germline): Uncertain significance (1 of 4 stars; one submission).

Submission:

GeneDx
Classification: Uncertain significance. Last evaluated: 2023-02-07. Review status: criteria provided, single submitter. Criteria: GeneDx Variant Classification Process June 2021. Collection method: clinical testing. Allele origin: germline. Affected: yes.
Comment: Not observed at significant frequency in large population cohorts (gnomAD); In silico analysis is inconclusive as to whether the variant alters gene splicing. In the absence of RNA/functional studies, the actual effect of this sequence change is unknown.; Has not been previously published as pathogenic or benign to our knowledge